The following is an entry in ClinVar:

ClinVar aggregate classification (germline): Uncertain significance (1 of 4 stars; one submission).

Submission:

ISCA Site 6
Classification: Uncertain significance. Last evaluated: 2011-08-12. Review status: criteria provided, single submitter. Criteria: Kaminsky et al. (Genet Med. 2011). Collection method: clinical testing. Allele origin: unknown. Affected: yes. Observed: 1 variant allele.
Comment: Copy number variation identified through the course of routine clinical cytogenomic testing in postnatal populations. Clinical assertions have been curated as described in Kaminsky et al. 2011.

GRCh38/hg38 2q12.2-12.3(chr2:106260759-107904531)x1

Genes: CD8B2 (CD8B family member 2; plus strand), GACAT1 (gastric cancer associated transcript 1; plus strand), LINC01789 (long intergenic non-protein coding RNA 1789; minus strand), LINC01885 (long intergenic non-protein coding RNA 1885; minus strand), LINC01886 (long intergenic non-protein coding RNA 1886; plus strand) and 12 more. Cytogenetic location: 2q12.2-12.3.
Variant type: copy number loss.
Change: copy number 1 (one copy instead of two) of chr2:106,260,759-107,904,531 (1.64 Mb, GRCh38 coordinates, 1-based), cytogenetic band 2q12.2-12.3.
Identifiers: ClinVar variation 57562 (VCV000057562.2).